The following is an entry in ClinVar:

NM_000062.3(SERPING1):c.1324C>G (p.Gln442Glu)

Gene: SERPING1 (serpin family G member 1; plus strand). Cytogenetic location: 11q12.1.
Variant type: single nucleotide variant.
Coding change: c.1324C>G on transcript NM_000062.3 (MANE Select); coding-DNA position 1324, C replaced by G.
Protein change: p.Gln442Glu; replaces glutamine 442 with glutamic acid.
Molecular consequence: missense variant.
Genome position (GRCh38, 1-based): chr11:57,614,402, C>G. VCF-style: chr11-57614402-C-G. GRCh37 (hg19) VCF-style: chr11-57381875-C-G.
Other names: c.1324C>G, p.Gln442Glu (NM_001032295.2); short protein forms Q442E.
Identifiers: ClinVar variation 1032160 (VCV001032160.1), dbSNP rs1590831346, ClinGen allele CA380690505.
Genomic context (GRCh38, chr11:57,614,402, plus strand): 5'-TCTTATGACCTTAACCTGTGTGGGCTGACAGAGGACCCAGATCTTCAGGTTTCTGCGATG[C>G]AGCACCAGACAGTGCTGGAACTGACAGAGACTGGGGTGGAGGCGGCTGCAGCCTCCGCCA-3'
Protein context (NP_000053.2, residues 432-452): EDPDLQVSAM[Gln442Glu]HQTVLELTET

ClinVar aggregate classification (germline): Uncertain significance (1 of 4 stars; one submission).

Conditions:
Hereditary angioedema type 1 (HAE1). Identifiers: Orphanet 100050, Orphanet 100051, Orphanet 91378, MedGen C2717906, MONDO:0015053, OMIM 106100.

Submission:

Baylor Genetics
Classification: Uncertain significance for Hereditary angioedema type 1. Last evaluated: 2018-06-29. Review status: criteria provided, single submitter. Criteria: ACMG Guidelines, 2015. Collection method: clinical testing. Allele origin: de novo. Affected: yes.
Comment: This variant was determined to be of uncertain significance according to ACMG Guidelines, 2015 [PMID:25741868].